The following is an entry in ClinVar:

ClinVar aggregate classification (germline): Uncertain significance (1 of 4 stars; one submission).

Conditions:
Cardiovascular phenotype. Identifiers: MedGen CN230736.
Hereditary cancer-predisposing syndrome. Also called: Tumor predisposition; Neoplastic Syndromes, Hereditary; Hereditary Cancer Syndrome; Hereditary neoplastic syndrome. Identifiers: Orphanet 140162, MedGen C0027672, MeSH D009386, MONDO:0015356.

Submission:

Ambry Genetics
Classification: Uncertain significance for Cardiovascular phenotype; Hereditary cancer-predisposing syndrome. Last evaluated: 2025-01-04. Review status: criteria provided, single submitter. Criteria: Ambry Variant Classification Scheme 2023. Collection method: clinical testing. Allele origin: germline.
Comment: The p.Y2464N variant (also known as c.7390T>A), located in coding exon 49 of the NF1 gene, results from a T to A substitution at nucleotide position 7390. The tyrosine at codon 2464 is replaced by asparagine, an amino acid with dissimilar properties. This amino acid position is conserved. In addition, this alteration is predicted to be tolerated by in silico analysis. Based on the available evidence, the clinical significance of this variant remains unclear.

NM_001042492.3(NF1):c.7453T>A (p.Tyr2485Asn)

Gene: NF1 (neurofibromin 1; plus strand). Cytogenetic location: 17q11.2.
Variant type: single nucleotide variant.
Coding change: c.7453T>A on transcript NM_001042492.3 (MANE Select); coding-DNA position 7453, T replaced by A.
Protein change: p.Tyr2485Asn; replaces tyrosine 2485 with asparagine.
Molecular consequence: missense variant.
Genome position (GRCh38, 1-based): chr17:31,350,314, T>A. VCF-style: chr17-31350314-T-A. GRCh37 (hg19) VCF-style: chr17-29677332-T-A.
Other names: c.7390T>A, p.Tyr2464Asn (NM_000267.4); short protein forms Y2485N, Y2464N.
Identifiers: ClinVar variation 3879041 (VCV003879041.1).